The following is an entry in ClinVar:

ClinVar aggregate classification (germline): Pathogenic (1 of 4 stars; one submission).

Conditions:
Fanconi anemia (FA). Also called: Fanconi's anemia. Identifiers: Orphanet 84, MedGen C0015625, MeSH D005199, MONDO:0019391.

gnomAD v4.1: 1 of 1,599,038 alleles (0.000063%); highest among the groups gnomAD compares: Non-Finnish European, 0.000086%; no homozygotes.

Submission:

Labcorp Genetics (formerly Invitae), Labcorp
Classification: Pathogenic for Fanconi anemia. Last evaluated: 2025-07-10. Review status: criteria provided, single submitter. Criteria: Invitae Variant Classification Sherloc (09022015). Collection method: clinical testing. Allele origin: germline.
Comment: This sequence change creates a premature translational stop signal (p.Glu774*) in the FANCM gene. It is expected to result in an absent or disrupted protein product. Loss-of-function variants in FANCM are known to be pathogenic (PMID: 29895858, 30075111). This variant is not present in population databases (gnomAD no frequency). This premature translational stop signal has been observed in individual(s) with FANCM-related conditions (PMID: 31991861). ClinVar contains an entry for this variant (Variation ID: 3666568). For these reasons, this variant has been classified as Pathogenic.

Literature cited by the submitters: PubMed 29895858; PubMed 30075111; PubMed 31991861.

NM_020937.4(FANCM):c.2320G>T (p.Glu774Ter)

Gene: FANCM (FA complementation group M; plus strand). Cytogenetic location: 14q21.2.
Variant type: single nucleotide variant.
Coding change: c.2320G>T on transcript NM_020937.4 (MANE Select); coding-DNA position 2320, G replaced by T.
Protein change: p.Glu774Ter; replaces glutamic acid 774 with a stop codon.
Molecular consequence: nonsense.
Genome position (GRCh38, 1-based): chr14:45,175,074, G>T. VCF-style: chr14-45175074-G-T. GRCh37 (hg19) VCF-style: chr14-45644277-G-T.
Other names: c.2242G>T, p.Glu748Ter (NM_001308133.2); short protein forms E748*, E774*.
Identifiers: ClinVar variation 3666568 (VCV003666568.2).